The following is an entry in ClinVar:

NM_024312.5(GNPTAB):c.493dup (p.Ser165fs)

Gene: GNPTAB (N-acetylglucosamine-1-phosphate transferase subunits alpha and beta; minus strand). Cytogenetic location: 12q23.2.
Variant type: Duplication.
Coding change: c.493dup on transcript NM_024312.5 (MANE Select); coding-DNA position 493, one base duplicated (A; older notation c.493dupA).
Protein change: p.Ser165fs; shifts the reading frame from serine 165.
Molecular consequence: frameshift variant.
Genome position (GRCh38, 1-based): chr12:101,786,090, T duplicated on the plus strand (A on the coding strand, the reverse complement: GNPTAB is on the minus strand). VCF-style (leftmost placement, unchanged base first): chr12-101786089-C-CT. GRCh37 (hg19) VCF-style: chr12-102179867-C-CT.
Other names: short protein forms S165fs.
Identifiers: ClinVar variation 5012847 (VCV005012847.1).

ClinVar aggregate classification (germline): Pathogenic (1 of 4 stars; one submission).

Conditions:
GNPTAB-mucolipidosis. Also called: UDP-N-acetylglucosamine-1-phosphotransferase subunit alpha/beta deficiency. Identifiers: MedGen CN322573, MONDO:0100122.

Submission:

Myriad Genetics, Inc.
Classification: Pathogenic for GNPTAB-mucolipidosis. Last evaluated: 2024-03-22. Review status: criteria provided, single submitter. Criteria: Myriad Autosomal Dominant, Autosomal Recessive and X-Linked Classification Criteria (2023). Collection method: clinical testing. Allele origin: unknown.
Comment: NM_024312.4(GNPTAB):c.493dupA(S165Kfs*2) is expected to be pathogenic in the context of GNPTAB-related disorders. This variant is predicted to lead to an abnormal or absent protein product due to the creation of a premature termination codon in GNPTAB, a gene where loss-of-function variants are known to be pathogenic. Please note: this variant was assessed in the context of healthy population screening.